The following is an entry in ClinVar:

NC_000016.9:g.(?_9916101)_(9943838_?)dup

Gene: GRIN2A (glutamate ionotropic receptor NMDA type subunit 2A; minus strand). Cytogenetic location: 16p13.2.
Variant type: Duplication.
Identifiers: ClinVar variation 3243419 (VCV003243419.1).

ClinVar aggregate classification (germline): Likely pathogenic (1 of 4 stars; one submission).

Conditions:
Landau-Kleffner syndrome (FESD). Also called: EPILEPSY, FOCAL, WITH SPEECH DISORDER AND WITH OR WITHOUT MENTAL RETARDATION; APHASIA, ACQUIRED, WITH EPILEPSY. Identifiers: Orphanet 1945, Orphanet 725, Orphanet 98818, MedGen C0282512, MONDO:0009509, OMIM 245570.

Submission:

Labcorp Genetics (formerly Invitae), Labcorp
Classification: Likely pathogenic for Landau-Kleffner syndrome. Last evaluated: 2023-06-18. Review status: criteria provided, single submitter. Criteria: Invitae Variant Classification Sherloc (09022015). Collection method: clinical testing. Allele origin: unknown.
Comment: In summary, the currently available evidence indicates that the variant is pathogenic, but additional data are needed to prove that conclusively. Therefore, this variant has been classified as Likely Pathogenic. This variant has not been reported in the literature in individuals affected with GRIN2A-related conditions. This variant results in a copy number gain of the genomic region encompassing exon(s) 6-11 of the GRIN2A gene. While the exact position of this variant cannot be determined from the data, sub-genic copy number gains are generally in tandem (PMID: 25640679). This variant is predicted to be out-of-frame, and may result in an absent or disrupted protein product. Loss-of-function variants in GRIN2A are known to be pathogenic (PMID: 23933819, 23933820).

Literature cited by the submitters: PubMed 25640679; PubMed 23933819; PubMed 23933820.